The following is an entry in ClinVar:

ClinVar aggregate classification (germline): Uncertain significance (1 of 4 stars; one submission).

Conditions:
Juvenile onset Parkinson disease 19A. Also called: DNAJC6 Parkinson Disease; PARK19. Identifiers: Orphanet 391411, MedGen C3809811, MONDO:0014231, OMIM 615528.

Allele frequency attached by ClinVar (database versions not stated): gnomAD exomes 0.00002 and 0.00005; ExAC 0.00004; gnomAD 0.00004 and 0.00005; TOPMed 0.00004; ESP Exome Variant Server 0.00008.
gnomAD v4.1: 38 of 1,568,972 alleles (0.0024%); highest among the groups gnomAD compares: South Asian, 0.0073%; no homozygotes.

Submission:

Labcorp Genetics (formerly Invitae), Labcorp
Classification: Uncertain significance for Juvenile onset Parkinson disease 19A. Last evaluated: 2021-09-26. Review status: criteria provided, single submitter. Criteria: Invitae Variant Classification Sherloc (09022015). Collection method: clinical testing. Allele origin: germline.
Comment: Algorithms developed to predict the effect of missense changes on protein structure and function are either unavailable or do not agree on the potential impact of this missense change (SIFT: "Deleterious"; PolyPhen-2: "Benign"; Align-GVGD: "Class C25"). In summary, the available evidence is currently insufficient to determine the role of this variant in disease. Therefore, it has been classified as a Variant of Uncertain Significance. This variant has not been reported in the literature in individuals affected with DNAJC6-related conditions. This variant is present in population databases (rs377366345, ExAC 0.01%). This sequence change replaces arginine with cysteine at codon 618 of the DNAJC6 protein (p.Arg618Cys). The arginine residue is moderately conserved and there is a large physicochemical difference between arginine and cysteine.

NM_001256864.2(DNAJC6):c.1852C>T (p.Arg618Cys)

Gene: DNAJC6 (DnaJ heat shock protein family (Hsp40) member C6; plus strand). Cytogenetic location: 1p31.3.
Variant type: single nucleotide variant.
Coding change: c.1852C>T on transcript NM_001256864.2 (MANE Select); coding-DNA position 1852, C replaced by T.
Protein change: p.Arg618Cys; replaces arginine 618 with cysteine.
Molecular consequence: missense variant.
Genome position (GRCh38, 1-based): chr1:65,392,814, C>T. VCF-style: chr1-65392814-C-T. GRCh37 (hg19) VCF-style: chr1-65858497-C-T.
Other names: c.1642C>T, p.Arg548Cys (NM_001256865.2); c.1681C>T, p.Arg561Cys (NM_014787.4); short protein forms R561C, R618C, R548C.
Identifiers: ClinVar variation 1425297 (VCV001425297.8), dbSNP rs377366345, ClinGen allele CA894007.